The following is an entry in ClinVar:

ClinVar aggregate classification (germline): Uncertain significance (1 of 4 stars; one submission).

Allele frequency attached by ClinVar (database versions not stated): gnomAD 0.00001; TOPMed 0.00002.
gnomAD v4.1: 7 of 1,549,688 alleles (0.00045%); highest among the groups gnomAD compares: South Asian, 0.0024%; no homozygotes.

Submission:

Labcorp Genetics (formerly Invitae), Labcorp
Classification: Uncertain significance. Last evaluated: 2020-12-17. Review status: criteria provided, single submitter. Criteria: Invitae Variant Classification Sherloc (09022015). Collection method: clinical testing. Allele origin: germline.
Comment: In summary, the available evidence is currently insufficient to determine the role of this variant in disease. Therefore, it has been classified as a Variant of Uncertain Significance. Advanced modeling of protein sequence and biophysical properties (such as structural, functional, and spatial information, amino acid conservation, physicochemical variation, residue mobility, and thermodynamic stability) performed at Invitae indicates that this missense variant is not expected to disrupt CPLANE1 protein function. This variant has not been reported in the literature in individuals with CPLANE1-related conditions. This variant is not present in population databases (ExAC no frequency). This sequence change replaces glutamine with arginine at codon 679 of the CPLANE1 protein (p.Gln679Arg). The glutamine residue is weakly conserved and there is a small physicochemical difference between glutamine and arginine.

NM_001384732.1(CPLANE1):c.2036A>G (p.Gln679Arg)

Gene: CPLANE1 (ciliogenesis and planar polarity effector complex subunit 1; minus strand). Cytogenetic location: 5p13.2.
Variant type: single nucleotide variant.
Coding change: c.2036A>G on transcript NM_001384732.1 (MANE Select); coding-DNA position 2036, A replaced by G.
Protein change: p.Gln679Arg; replaces glutamine 679 with arginine.
Molecular consequence: missense variant.
Genome position (GRCh38, 1-based): chr5:37,226,559, T>C on the plus strand (A>G on the coding strand, the complement: CPLANE1 is on the minus strand). VCF-style: chr5-37226559-T-C. GRCh37 (hg19) VCF-style: chr5-37226661-T-C.
Other names: c.2036A>G, p.Gln679Arg (NM_023073.4); short protein forms Q679R.
Identifiers: ClinVar variation 1417321 (VCV001417321.8), dbSNP rs1165694869, ClinGen allele CA359497195.